The following is an entry in ClinVar:

NM_001122955.4(BSCL2):c.765+69A>G

Genes: BSCL2 (BSCL2 lipid droplet biogenesis associated, seipin; minus strand), HNRNPUL2-BSCL2 (HNRNPUL2-BSCL2 readthrough (NMD candidate); minus strand). Cytogenetic location: 11q12.3.
Variant type: single nucleotide variant.
Coding change: c.765+69A>G on transcript NM_001122955.4 (MANE Select); 69 bases into the intron after coding-DNA position 765, A replaced by G.
Molecular consequence: intron variant.
Genome position (GRCh38, 1-based): chr11:62,692,594, T>C on the plus strand (A>G on the coding strand, the complement: BSCL2 is on the minus strand). VCF-style: chr11-62692594-T-C. GRCh37 (hg19) VCF-style: chr11-62460066-T-C.
Other names: c.573+69A>G (NM_001130702.2, NM_032667.6); c.765+69A>G (NM_001386028.1, NM_001386027.1).
Identifiers: ClinVar variation 678151 (VCV000678151.6), dbSNP rs2850596, ClinGen allele CA13462116.

ClinVar aggregate classification (germline): Benign. Review status: criteria provided, multiple submitters, no conflicts (2 of 4 stars). 6 submissions from 3 submitters: Benign (6). Last evaluated 2021-07-14.

Conditions:
Neuronopathy, distal hereditary motor, type 5C. Also called: NEURONOPATHY, DISTAL HEREDITARY MOTOR, HARDING TYPE VC; NEUROPATHY, DISTAL HEREDITARY MOTOR, HARDING TYPE VC; SPINAL MUSCULAR ATROPHY, DISTAL, HARDING TYPE VC; DHMN VC; NEURONOPATHY, DISTAL HEREDITARY MOTOR, AUTOSOMAL DOMINANT 13. Identifiers: MedGen C5436838, MONDO:0030860, OMIM 619112.
Severe neurodegenerative syndrome with lipodystrophy. Also called: ENCEPHALOPATHY, PROGRESSIVE, WITH LIPODYSTROPHY; Encephalopathy, progressive, with or without lipodystrophy. Identifiers: Orphanet 363400, MedGen C4014700, MONDO:0014402, OMIM 615924.
Hereditary spastic paraplegia 17. Also called: Silver spastic paraplegia syndrome; Spastic Paraplegia 17; Autosomal dominant spastic paraplegia type 17; Silver Syndrome; SPASTIC PARAPLEGIA WITH AMYOTROPHY OF HANDS AND FEET. Identifiers: Orphanet 100998, MedGen C2931276, MONDO:0010043, OMIM 270685.
Congenital generalized lipodystrophy type 2 (CGL2). Also called: Berardinelli-Seip Congenital Lipodystrophy Type 2; BERARDINELLI SYNDROME; BRUNZELL SYNDROME, BSCL2-RELATED; SEIP SYNDROME. Identifiers: Orphanet 528, Orphanet 696289, MedGen C1720863, MONDO:0010020, OMIM 269700.

Allele frequency attached by ClinVar (database versions not stated): TOPMed 0.74467; 1000 Genomes Project 0.74720; gnomAD 0.75017 and 0.74808; gnomAD exomes 0.76094; 1000 Genomes Project 30x 0.74157.
gnomAD v4.1: 1,225,960 of 1,612,468 alleles (76%); highest among the groups gnomAD compares: Admixed American, 84%; 467,155 homozygotes.

Submissions (6):

Genome-Nilou Lab
Classification: Benign for Severe neurodegenerative syndrome with lipodystrophy. Last evaluated: 2021-07-14. Review status: criteria provided, single submitter. Criteria: ACMG Guidelines, 2015. Collection method: clinical testing. Allele origin: germline. Affected: no.

Genome-Nilou Lab
Classification: Benign for Congenital generalized lipodystrophy type 2. Last evaluated: 2021-07-14. Review status: criteria provided, single submitter. Criteria: ACMG Guidelines, 2015. Collection method: clinical testing. Allele origin: germline. Affected: no.

Genome-Nilou Lab
Classification: Benign for Neuronopathy, distal hereditary motor, type 5C. Last evaluated: 2021-07-14. Review status: criteria provided, single submitter. Criteria: ACMG Guidelines, 2015. Collection method: clinical testing. Allele origin: germline. Affected: no.

Genome-Nilou Lab
Classification: Benign for Hereditary spastic paraplegia 17. Last evaluated: 2021-07-14. Review status: criteria provided, single submitter. Criteria: ACMG Guidelines, 2015. Collection method: clinical testing. Allele origin: germline. Affected: no.

GeneDx
Classification: Benign. Last evaluated: 2018-06-14. Review status: criteria provided, single submitter. Criteria: GeneDx Variant Classification (06012015). Collection method: clinical testing. Allele origin: germline. Affected: yes.
Comment: This variant is considered likely benign or benign based on one or more of the following criteria: it is a conservative change, it occurs at a poorly conserved position in the protein, it is predicted to be benign by multiple in silico algorithms, and/or has population frequency not consistent with disease.

Breakthrough Genomics
Classification: Benign. Review status: criteria provided, single submitter. Criteria: ACMG Guidelines, 2015. Collection method: not provided. Allele origin: germline. Inheritance: Autosomal recessive inheritance. Affected: yes.